The following is an entry in ClinVar:

ClinVar aggregate classification (germline): Uncertain significance (1 of 4 stars; one submission).

Submission:

GeneDx
Classification: Uncertain significance. Last evaluated: 2023-04-19. Review status: criteria provided, single submitter. Criteria: GeneDx Variant Classification Process June 2021. Collection method: clinical testing. Allele origin: germline. Affected: yes.
Comment: Not observed at significant frequency in large population cohorts (gnomAD); In silico analysis supports that this missense variant has a deleterious effect on protein structure/function; Has not been previously published as pathogenic or benign to our knowledge

NM_007363.5(NONO):c.860G>A (p.Arg287His)

Gene: NONO (non-POU domain containing octamer binding; plus strand). Cytogenetic location: Xq13.1.
Variant type: single nucleotide variant.
Coding change: c.860G>A on transcript NM_007363.5 (MANE Select); coding-DNA position 860, G replaced by A.
Protein change: p.Arg287His; replaces arginine 287 with histidine.
Molecular consequence: missense variant.
Genome position (GRCh38, 1-based): chrX:71,296,964, G>A. VCF-style: chrX-71296964-G-A. GRCh37 (hg19) VCF-style: chrX-70516814-G-A.
Other names: c.860G>A, p.Arg287His (NM_001145408.2, NM_001145409.2); c.593G>A, p.Arg198His (NM_001145410.2); short protein forms R198H, R287H.
Identifiers: ClinVar variation 2662723 (VCV002662723.1), dbSNP rs2519893503, ClinGen allele CA413544798.